The following is an entry in ClinVar:

NM_020919.4(ALS2):c.3513-2A>T

Gene: ALS2 (alsin Rho guanine nucleotide exchange factor ALS2; minus strand). Cytogenetic location: 2q33.1.
Variant type: single nucleotide variant.
Coding change: c.3513-2A>T on transcript NM_020919.4 (MANE Select); the canonical splice acceptor site of the intron before coding-DNA position 3513, A replaced by T.
Molecular consequence: splice acceptor variant.
Genome position (GRCh38, 1-based): chr2:201,723,443, T>A on the plus strand (A>T on the coding strand, the complement: ALS2 is on the minus strand). VCF-style: chr2-201723443-T-A. GRCh37 (hg19) VCF-style: chr2-202588166-T-A.
Other names: c.3513-2A>T (NM_001410975.1).
Identifiers: ClinVar variation 2585030 (VCV002585030.1), dbSNP rs2469758597, ClinGen allele CA350319555.

ClinVar aggregate classification (germline): Likely pathogenic (1 of 4 stars; one submission).

Conditions:
Infantile-onset ascending hereditary spastic paralysis (IAHSP). Also called: Infantile-Onset Ascending Hereditary Spastic Paralysis (IAHSP); Autosomal Recessive Juvenile Amyotrophic Lateral Sclerosis. Identifiers: Orphanet 293168, MedGen C2931441, MONDO:0011797, OMIM 607225. Disease mechanism: loss of function.

Submission:

Neuberg Centre For Genomic Medicine, NCGM
Classification: Likely pathogenic for Infantile-onset ascending hereditary spastic paralysis. Review status: criteria provided, single submitter. Criteria: ACMG Guidelines, 2015. Collection method: clinical testing. Allele origin: germline. Inheritance: Autosomal recessive inheritance. Affected: yes.
Comment: The c.3513-2A>T splice acceptor variant in ALS2 gene has been submitted to ClinVar as Pathogenic, but no details are available for independent assessment. It has not been reported in affected individuals. The c.3513-2A>T variant is novel (not in any individuals) in gnomAD Exomes and 1000 Genomes. Loss of function variants have been previously reported to be disease causing. For these reasons, this variant has been classified as Likely Pathogenic